The following is an entry in ClinVar:

NM_014845.6(FIG4):c.649G>T (p.Val217Leu)

Gene: FIG4 (FIG4 phosphoinositide 5-phosphatase; plus strand). Cytogenetic location: 6q21.
Variant type: single nucleotide variant.
Coding change: c.649G>T on transcript NM_014845.6 (MANE Select); coding-DNA position 649, G replaced by T.
Protein change: p.Val217Leu; replaces valine 217 with leucine.
Molecular consequence: missense variant.
Genome position (GRCh38, 1-based): chr6:109,738,327, G>T. VCF-style: chr6-109738327-G-T. GRCh37 (hg19) VCF-style: chr6-110059530-G-T.
Other names: short protein forms V217L.
Identifiers: ClinVar variation 3341340 (VCV003341340.1).

ClinVar aggregate classification (germline): Uncertain significance (1 of 4 stars; one submission).

Conditions:
Charcot-Marie-Tooth disease type 4J (CMT4J). Also called: Charcot-Marie-Tooth Neuropathy Type 4J; CHARCOT-MARIE-TOOTH DISEASE, AUTOSOMAL RECESSIVE, TYPE 4J; CHARCOT-MARIE-TOOTH DISEASE, DEMYELINATING, TYPE 4J. Identifiers: Orphanet 139515, MedGen C1970011, MONDO:0012640, OMIM 611228.

gnomAD v4.1: 2 of 1,602,952 alleles (0.00012%); highest among the groups gnomAD compares: Non-Finnish European, 0.00017%; no homozygotes.

Submission:

Neuberg Centre For Genomic Medicine, NCGM
Classification: Uncertain significance for Charcot-Marie-Tooth disease type 4J. Last evaluated: 2023-05-20. Review status: criteria provided, single submitter. Criteria: ACMG Guidelines, 2015. Collection method: clinical testing. Allele origin: germline. Inheritance: Autosomal recessive inheritance. Affected: yes.
Comment: The missense c.649G>T (p.Val217Leu) variant in the FIG4 gene has not been reported previously as a pathogenic variant nor as a benign variant, to our knowledge. This variant is absent in the gnomAD Exomes. The amino acid Valine at position 217 is changed to a Leucine changing protein sequence and it might alter its composition and physico-chemical properties. Computational evidence (Polyphen - Benign, SIFT - Tolerated and MutationTaster - Disease causing) predicts conflicting evidence on protein structure and function for this variant. The amino acid change p.Val217Leu in FIG4 is predicted as conserved by GERP++ and PhyloP across 100 vertebrates. For these reasons, this variant has been classified as Uncertain Significance.